The following is an entry in ClinVar:

ClinVar aggregate classification (germline): Pathogenic (1 of 4 stars; one submission).

Submission:

Quest Diagnostics Nichols Institute San Juan Capistrano
Classification: Pathogenic. Last evaluated: 2025-04-02. Review status: criteria provided, single submitter. Criteria: ACMG/ClinGen CNV Guidelines, 2019. Collection method: clinical testing. Allele origin: unknown.
Comment: This duplication involves at least 48 protein-coding genes, including TBX1 (OMIM 602054). This recurrent duplication of 22q11.2 extending from low copy number repeats (LCRs) A to D is associated with 22q11.2 duplication syndrome (OMIM 608363; ISCA-37446; Bartik 2022), which is characterized by a broad range of features. However, clinical presentation is highly variable, even within families, and a proportion of these duplications are inherited, sometimes from an unaffected parent, suggesting incomplete penetrance. Therefore, this copy number variant (CNV) is classified as pathogenic, with incomplete penetrance and variable expressivity. References: Bartik et al., Am J Med Genet A. 2022 Mar;188(3):779-787. PMID: 34845825.

GRCh37/hg19 22q11.21(chr22:18916828-21465662)x3

Genes: AIFM3 (AIF family member 3; plus strand), ARVCF (ARVCF delta catenin family member; minus strand), C22orf39 (chromosome 22 open reading frame 39; minus strand), CDC45 (cell division cycle 45; plus strand), CLDN5 (claudin 5; minus strand) and 41 more. Cytogenetic location: 22q11.21.
Variant type: copy number gain.
Change: copy number 3 (three copies instead of two) of chr22:18,916,828-21,465,662 (2.55 Mb, GRCh37 coordinates, 1-based), cytogenetic band 22q11.21.
Identifiers: ClinVar variation 4683007 (VCV004683007.1).